The following continues an entry in ClinVar:

NM_000492.4(CFTR):c.3485G>T (p.Arg1162Leu)

ClinVar aggregate classification (germline): Conflicting classifications of pathogenicity. Pathogenic (2); Likely pathogenic (2); Uncertain significance (11); Benign (2); Likely benign (3).

Submissions 9 to 21 of 21:

Blueprint Genetics
Classification: Uncertain significance. Last evaluated: 2024-11-26. Review status: criteria provided, single submitter. Criteria: ACMG Guidelines, 2015. Collection method: clinical testing. Allele origin: germline.

Fulgent Genetics
Classification: Uncertain significance for Hereditary pancreatitis; Bronchiectasis with or without elevated sweat chloride 1; Cystic fibrosis; Congenital bilateral aplasia of vas deferens from CFTR mutation. Last evaluated: 2024-06-07. Review status: criteria provided, single submitter. Criteria: ACMG Guidelines, 2015. Collection method: clinical testing. Allele origin: germline.

Clinical Genetics Laboratory, Skane University Hospital Lund
Classification: Uncertain significance. Last evaluated: 2024-03-13. Review status: criteria provided, single submitter. Criteria: ACMG Guidelines, 2015. Collection method: clinical testing. Allele origin: germline. Affected: yes.

Mayo Clinic Laboratories, Mayo Clinic
Classification: Likely benign. Last evaluated: 2023-05-31. Review status: criteria provided, single submitter. Criteria: ACMG Guidelines, 2015. Collection method: clinical testing. Allele origin: germline. Observed: 10 variant alleles.
Comment: BS3, PP3

Department of Pathology and Laboratory Medicine, Sinai Health System
Classification: Uncertain significance for cystic fibrosis. Last evaluated: 2023-02-27. Review status: criteria provided, single submitter. Criteria: ACMG Guidelines, 2015. Collection method: research. Allele origin: germline.

Johns Hopkins Genomics, Johns Hopkins University
Classification: Likely benign for Cystic fibrosis. Last evaluated: 2022-12-27. Review status: criteria provided, single submitter. Criteria: ACMG Guidelines, 2015. Collection method: clinical testing. Allele origin: germline.

Institute of Reproductive Genetics, University of Münster
Classification: Uncertain significance for Obstructive azoospermia. Last evaluated: 2021-12-21. Review status: criteria provided, single submitter. Criteria: ACMG Guidelines, 2015. Collection method: clinical testing. Allele origin: germline. Affected: yes. Observed: 1 variant allele.

Institute for Clinical Genetics, University Hospital TU Dresden, University Hospital TU Dresden
Classification: Likely pathogenic. Last evaluated: 2021-11-03. Review status: criteria provided, single submitter. Criteria: ACMG Guidelines, 2015. Collection method: clinical testing. Allele origin: germline.

Women's Health and Genetics/Laboratory Corporation of America, LabCorp
Classification: Benign. Last evaluated: 2021-02-05. Review status: criteria provided, single submitter. Criteria: LabCorp Variant Classification Summary - May 2015. Collection method: clinical testing. Allele origin: germline.
Comment: Variant summary: CFTR c.3485G>T (p.Arg1162Leu) results in a non-conservative amino acid change in the encoded protein sequence. Five of five in-silico tools predict a damaging effect of the variant on protein function. The variant allele was found at a frequency of 0.00071 in 253674 control chromosomes, predominantly at a frequency of 0.0013 within the Non-Finnish European subpopulation in the gnomAD database. This frequency is not significantly higher than expected for a pathogenic variant in CFTR causing Cystic Fibrosis (0.00071 vs 0.013), allowing no conclusion about variant significance. c.3485G>T has been widely reported in the literature in asymptomatic compound heterozygotes with non-informative genotypes such as another benign/non-CF causing variant or another reported pathogenic CF-causing variant, as a sole variant in a non-informative genotype in settings of CFTR-RD, and in settings of indeterminate newborn screening (example, Claustres_2017, Minso_2020, Sosnay_2013). The fact that this variant was reported among 6 non-affected fathers harboring this variant with another CFTR-causing variant in trans supports the lack of association or non-penetrance of this variant within settings of infertility (Sosnay_2013). Additionally, numerous studies spanning over a decade (1992-2010) predating the ones cited above cite the variant as a polymorphism. These data do not allow any conclusion about variant significance. Practice guidelines aimed at developing international consensus have listed this variant among non-CF causing variation while not including this among CFTR variants with varying or indeterminate clinical consequences (Girardet_2015). This is further supported by the conclusions reported in prominent databases such as CFTR2, which report this variant as having no clinical consequence in the settings of CF. To our knowledge, no conclusive experimental evidence demonstrating an impact on protein function has been reported. Multiple clinical diagnostic laboratories have submitted clinical-significance assessments for this variant to ClinVar after 2014 without evidence for independent evaluation with conflicting assessments ranging from Pathogenic to VUS and Benign, some of whom cite overlapping evidence utilized in the context of this evaluation. Based on the lack of firm/conclusive evidence supporting an actionable outcome following a cross-sectional review of literature spanning over 3 decades as outlined above, the variant was classified as benign in the context of Cystic Fibrosis and its associated phenotypes.

Eurofins Ntd Llc (ga)
Classification: Uncertain significance. Last evaluated: 2018-08-30. Review status: criteria provided, single submitter. Criteria: EGL ClinVar v180209 classification definitions. Collection method: clinical testing. Allele origin: germline. Observed: 11 variant alleles, 11 heterozygotes.

CFTR-France
Classification: Pathogenic for CFTR-related disorders. Last evaluated: 2018-03-26. Review status: criteria provided, single submitter. Criteria: Claustres M et al. (Hum Mutat 2017). Collection method: curation. Allele origin: germline. Affected: yes and no.

Illumina Laboratory Services, Illumina
Classification: Uncertain significance for CFTR-Related Disorders. Last evaluated: 2017-04-27. Review status: criteria provided, single submitter. Criteria: ICSL Variant Classification Criteria 13 December 2019. Collection method: clinical testing. Allele origin: germline.
Comment: This variant was observed as part of a predisposition screen in an ostensibly healthy population. A literature search was performed for the gene, cDNA change, and amino acid change (where applicable). Publications were found based on this search. However, the evidence from the literature, in combination with allele frequency data from public databases where available, was not sufficient to rule this variant in or out of causing disease. Therefore, this variant is classified as a variant of unknown significance.

Counsyl
Classification: Likely benign for Cystic fibrosis. Last evaluated: 2017-11-22. Review status: no assertion criteria provided. Collection method: clinical testing. Allele origin: unknown. Not counted in ClinVar's aggregate classification.

Literature cited by the submitters: PubMed 12167682 (cited by 4 submitters); PubMed 15097853 (cited by 3 submitters); PubMed 23974870 (cited by 4 submitters); PubMed 24419263 (cited by Ambry Genetics and Quest Diagnostics Nichols Institute San Juan Capistrano); PubMed 25824995 (cited by Ambry Genetics and Quest Diagnostics Nichols Institute San Juan Capistrano); PubMed 37628659 (cited by Quest Diagnostics Nichols Institute San Juan Capistrano); PubMed 17489851 (cited by 3 submitters); PubMed 28603918 (cited by Quest Diagnostics Nichols Institute San Juan Capistrano and Women's Health and Genetics/Laboratory Corporation of America, LabCorp); PubMed 25033378 (cited by Quest Diagnostics Nichols Institute San Juan Capistrano); PubMed 10923036 (cited by Quest Diagnostics Nichols Institute San Juan Capistrano and Women's Health and Genetics/Laboratory Corporation of America, LabCorp); PubMed 17035430 (cited by Quest Diagnostics Nichols Institute San Juan Capistrano and Women's Health and Genetics/Laboratory Corporation of America, LabCorp); PubMed 27022295 (cited by Quest Diagnostics Nichols Institute San Juan Capistrano); PubMed 23951356 (cited by Quest Diagnostics Nichols Institute San Juan Capistrano); PubMed 16481891 (cited by Quest Diagnostics Nichols Institute San Juan Capistrano); PubMed 33020115 (cited by Quest Diagnostics Nichols Institute San Juan Capistrano and Women's Health and Genetics/Laboratory Corporation of America, LabCorp); PubMed 34405919 (cited by Quest Diagnostics Nichols Institute San Juan Capistrano and Mayo Clinic Laboratories, Mayo Clinic); PubMed 34996830 (cited by Quest Diagnostics Nichols Institute San Juan Capistrano and Mayo Clinic Laboratories, Mayo Clinic); PubMed 26014425 (cited by Quest Diagnostics Nichols Institute San Juan Capistrano and Women's Health and Genetics/Laboratory Corporation of America, LabCorp); PubMed 34949556 (cited by Mayo Clinic Laboratories, Mayo Clinic); PubMed 35626323 (cited by Mayo Clinic Laboratories, Mayo Clinic); PubMed 19812525 (cited by Women's Health and Genetics/Laboratory Corporation of America, LabCorp); PubMed 1379210 (cited by Women's Health and Genetics/Laboratory Corporation of America, LabCorp and Illumina Laboratory Services, Illumina); PubMed 19202204 (cited by Women's Health and Genetics/Laboratory Corporation of America, LabCorp); PubMed 20849526 (cited by Women's Health and Genetics/Laboratory Corporation of America, LabCorp); PubMed 17594398 (cited by Women's Health and Genetics/Laboratory Corporation of America, LabCorp); PubMed 15536480 (cited by Women's Health and Genetics/Laboratory Corporation of America, LabCorp); PubMed 11788090 (cited by Women's Health and Genetics/Laboratory Corporation of America, LabCorp); PubMed 16134171 (cited by Women's Health and Genetics/Laboratory Corporation of America, LabCorp); PubMed 10571949 (cited by Women's Health and Genetics/Laboratory Corporation of America, LabCorp); PubMed 18687795 (cited by Illumina Laboratory Services, Illumina).